The following is an entry in ClinVar:

ClinVar aggregate classification (germline): Uncertain significance (1 of 4 stars; one submission).

Conditions:
Inborn genetic diseases. Identifiers: MedGen C0950123, MeSH D030342.

gnomAD v4.1: 3 of 1,474,962 alleles (0.0002%); highest among the groups gnomAD compares: Non-Finnish European, 0.00027%; no homozygotes.

Submission:

Ambry Genetics
Classification: Uncertain significance for Inborn genetic diseases. Last evaluated: 2026-01-05. Review status: criteria provided, single submitter. Criteria: Ambry Variant Classification Scheme 2023. Collection method: clinical testing. Allele origin: germline.
Comment: The c.175G>A (p.G59S) alteration is located in exon 1 (coding exon 1) of the EVC2 gene. This alteration results from a G to A substitution at nucleotide position 175, causing the glycine (G) at amino acid position 59 to be replaced by a serine (S). Based on data from gnomAD, the A allele has an overall frequency of 0.003% (1/31278) total alleles studied. The highest observed frequency was 0.007% (1/15360) of European (non-Finnish) alleles. Based on insufficient or conflicting evidence, the clinical significance of this alteration remains unclear.

NM_147127.5(EVC2):c.175G>A (p.Gly59Ser)

Gene: EVC2 (EvC ciliary complex subunit 2; minus strand). Cytogenetic location: 4p16.2.
Variant type: single nucleotide variant.
Coding change: c.175G>A on transcript NM_147127.5 (MANE Select); coding-DNA position 175, G replaced by A.
Protein change: p.Gly59Ser; replaces glycine 59 with serine.
Molecular consequence: missense variant. On other transcripts: intron variant (1).
Genome position (GRCh38, 1-based): chr4:5,708,339, C>T on the plus strand (G>A on the coding strand, the complement: EVC2 is on the minus strand). VCF-style: chr4-5708339-C-T. GRCh37 (hg19) VCF-style: chr4-5710066-C-T.
Other names: c.-13+490G>A (NM_001166136.2); short protein forms G59S.
Identifiers: ClinVar variation 4839071 (VCV004839071.1).